The following is an entry in ClinVar:

ClinVar aggregate classification (germline): Uncertain significance. Review status: criteria provided, multiple submitters, no conflicts (2 of 4 stars). 2 submissions from 2 submitters: Uncertain significance (2). Last evaluated 2025-05-08.

Allele frequency attached by ClinVar (database versions not stated): gnomAD 0.00001; ExAC 0.00002.
gnomAD v4.1: 129 of 1,613,766 alleles (0.008%); highest among the groups gnomAD compares: Non-Finnish European, 0.011%; no homozygotes.

Submissions (2):

Women's Health and Genetics/Laboratory Corporation of America, LabCorp
Classification: Uncertain significance. Last evaluated: 2025-05-08. Review status: criteria provided, single submitter. Criteria: LabCorp Variant Classification Summary - May 2015. Collection method: clinical testing. Allele origin: germline.
Comment: Variant summary: MYO7A c.3988G>A (p.Ala1330Thr) results in a non-conservative amino acid change in the encoded protein sequence. Algorithms developed to predict the effect of missense changes on protein structure and function all suggest that this variant is likely to be disruptive. The variant allele was found at a frequency of 1.2e-05 in 248430 control chromosomes. The available data on variant occurrences in the general population are insufficient to allow any conclusion about variant significance. c.3988G>A has been observed in at-least one heterozygous individual with congenital bilateral hearing loss, without strong evidence of causality (example: Florentine_2022). These report(s) do not provide unequivocal conclusions about association of the variant with Usher Syndrome. To our knowledge, no experimental evidence demonstrating an impact on protein function has been reported. The following publication have been ascertained in the context of this evaluation (PMID: 34515852). ClinVar contains an entry for this variant (Variation ID: 2202509). Based on the evidence outlined above, the variant was classified as uncertain significance.

Labcorp Genetics (formerly Invitae), Labcorp
Classification: Uncertain significance. Last evaluated: 2022-03-06. Review status: criteria provided, single submitter. Criteria: Invitae Variant Classification Sherloc (09022015). Collection method: clinical testing. Allele origin: germline.
Comment: This sequence change replaces alanine, which is neutral and non-polar, with threonine, which is neutral and polar, at codon 1330 of the MYO7A protein (p.Ala1330Thr). This variant is present in population databases (rs751586373, gnomAD 0.003%). This variant has not been reported in the literature in individuals affected with MYO7A-related conditions. Algorithms developed to predict the effect of missense changes on protein structure and function are either unavailable or do not agree on the potential impact of this missense change (SIFT: "Deleterious"; PolyPhen-2: "Probably Damaging"; Align-GVGD: "Class C0"). In summary, the available evidence is currently insufficient to determine the role of this variant in disease. Therefore, it has been classified as a Variant of Uncertain Significance.

Literature cited by the submitters: PubMed 34515852 (cited by Women's Health and Genetics/Laboratory Corporation of America, LabCorp).

NM_000260.4(MYO7A):c.3988G>A (p.Ala1330Thr)

Gene: MYO7A (myosin VIIA; plus strand). Cytogenetic location: 11q13.5.
Variant type: single nucleotide variant.
Coding change: c.3988G>A on transcript NM_000260.4 (MANE Select); coding-DNA position 3988, G replaced by A.
Protein change: p.Ala1330Thr; replaces alanine 1330 with threonine.
Molecular consequence: missense variant.
Genome position (GRCh38, 1-based): chr11:77,192,114, G>A. VCF-style: chr11-77192114-G-A. GRCh37 (hg19) VCF-style: chr11-76903159-G-A.
Other names: c.3988G>A, p.Ala1330Thr (NM_001127180.2); c.3955G>A, p.Ala1319Thr (NM_001369365.1); short protein forms A1319T, A1330T.
Identifiers: ClinVar variation 2202509 (VCV002202509.2), dbSNP rs751586373, ClinGen allele CA6198281.